The following is an entry in ClinVar:

NM_001040108.2(MLH3):c.1702G>A (p.Ala568Thr)

Gene: MLH3 (mutL homolog 3; minus strand). Cytogenetic location: 14q24.3.
Variant type: single nucleotide variant.
Coding change: c.1702G>A on transcript NM_001040108.2 (MANE Select); coding-DNA position 1702, G replaced by A.
Protein change: p.Ala568Thr; replaces alanine 568 with threonine.
Molecular consequence: missense variant.
Genome position (GRCh38, 1-based): chr14:75,047,954, C>T on the plus strand (G>A on the coding strand, the complement: MLH3 is on the minus strand). VCF-style: chr14-75047954-C-T. GRCh37 (hg19) VCF-style: chr14-75514657-C-T.
Other names: c.1702G>A, p.Ala568Thr (NM_014381.3); short protein forms A568T.
Identifiers: ClinVar variation 1778378 (VCV001778378.5), dbSNP rs2503289206, ClinGen allele CA390444598.

ClinVar aggregate classification (germline): Uncertain significance. Review status: criteria provided, multiple submitters, no conflicts (2 of 4 stars). 2 submissions from 2 submitters: Uncertain significance (2). Last evaluated 2026-01-15.

Conditions:
Colorectal cancer, hereditary nonpolyposis, type 7. Identifiers: Orphanet 144, MedGen C1858380, MONDO:0013725, OMIM 614385.

Submissions (2):

Labcorp Genetics (formerly Invitae), Labcorp
Classification: Uncertain significance for Colorectal cancer, hereditary nonpolyposis, type 7. Last evaluated: 2026-01-15. Review status: criteria provided, single submitter. Criteria: Invitae Variant Classification Sherloc (09022015). Collection method: clinical testing. Allele origin: germline.
Comment: This sequence change replaces alanine, which is neutral and non-polar, with threonine, which is neutral and polar, at codon 568 of the MLH3 protein (p.Ala568Thr). This variant is not present in population databases (gnomAD no frequency). This variant has not been reported in the literature in individuals affected with MLH3-related conditions. ClinVar contains an entry for this variant (Variation ID: 1778378). An algorithm developed to predict the effect of missense changes on protein structure and function (PolyPhen-2) suggests that this variant is likely to be tolerated. In summary, the available evidence is currently insufficient to determine the role of this variant in disease. Therefore, it has been classified as a Variant of Uncertain Significance.

Ambry Genetics
Classification: Uncertain significance. Last evaluated: 2021-02-23. Review status: criteria provided, single submitter. Criteria: Ambry Variant Classification Scheme 2023. Collection method: clinical testing. Allele origin: germline.
Comment: The p.A568T variant (also known as c.1702G>A), located in coding exon 1 of the MLH3 gene, results from a G to A substitution at nucleotide position 1702. The alanine at codon 568 is replaced by threonine, an amino acid with similar properties. This amino acid position is poorly conserved in available vertebrate species. In addition, this alteration is predicted to be tolerated by in silico analysis. Since supporting evidence is limited at this time, the clinical significance of this alteration remains unclear.